The following is an entry in ClinVar:

NM_001429.4(EP300):c.6816del (p.Val2273fs)

Gene: EP300 (EP300 lysine acetyltransferase; plus strand). Cytogenetic location: 22q13.2.
Variant type: Deletion.
Coding change: c.6816del on transcript NM_001429.4 (MANE Select); coding-DNA position 6816, one base deleted (T; older notation c.6816delT).
Protein change: p.Val2273fs; shifts the reading frame from valine 2273.
Molecular consequence: frameshift variant.
Genome position (GRCh38, 1-based): chr22:41,178,527, T deleted. VCF-style (leftmost placement, unchanged base first): chr22-41178526-CT-C. GRCh37 (hg19) VCF-style: chr22-41574530-CT-C.
Other names: c.6738del, p.Val2247fs (NM_001362843.2); short protein forms V2247fs, V2273fs.
Identifiers: ClinVar variation 4823914 (VCV004823914.1).
Genomic context (GRCh38, chr22:41,178,526, plus strand): 5'-AGGCAGGTGCCAGTCTACAGGCCTATCAGCAGCGACTCCTTCAGCAACAGATGGGGTCCC[CT>C]GTTCAGCCCAACCCCATGAGCCCCCAGCAGCATATGCTCCCAAATCAGGCCCAGTCCCCA-3'

ClinVar aggregate classification (germline): Likely pathogenic (1 of 4 stars; one submission).

Conditions:
Rubinstein-Taybi syndrome due to EP300 haploinsufficiency. Also called: RUBINSTEIN-TAYBI SYNDROME 2; EP300-Related Rubinstein-Taybi Syndrome. Identifiers: Orphanet 353284, Orphanet 783, MedGen C3150941, MONDO:0013364, OMIM 613684.

Submission:

Gansu Provincial Maternity and Child Care Hospital
Classification: Likely pathogenic for Rubinstein-Taybi syndrome due to EP300 haploinsufficiency. Last evaluated: 2026-04-12. Review status: criteria provided, single submitter. Criteria: ACMG Guidelines, 2015. Collection method: clinical testing. Allele origin: de novo. Inheritance: Autosomal dominant inheritance. Affected: yes.
Comment: The c.6816delT (p.Val2273Phefs*6) variant is a frameshift variant that leads to premature termination of translation，Variant removes <10% of protein (PVS1_Moderate). Parental verification confirmed it as a de novo variant (PS2). This site is not recorded in the gnomAD database (PM2_supporting).This variant is classified as Likely pathogenic.